The following is an entry in ClinVar:

ClinVar aggregate classification (germline): Likely benign (1 of 4 stars; one submission).

Allele frequency attached by ClinVar (database versions not stated): gnomAD 0.00495 and 0.00524; TOPMed 0.00553; 1000 Genomes Project 30x 0.00375; 1000 Genomes Project 0.00397.
gnomAD v4.1: 545 of 111,346 alleles (0.49%); highest among the groups gnomAD compares: African/African-American, 1.7%; 6 homozygotes.

Submission:

GeneDx
Classification: Likely benign. Last evaluated: 2018-06-19. Review status: criteria provided, single submitter. Criteria: GeneDx Variant Classification (06012015). Collection method: clinical testing. Allele origin: germline. Affected: yes.
Comment: This variant is considered likely benign or benign based on one or more of the following criteria: it is a conservative change, it occurs at a poorly conserved position in the protein, it is predicted to be benign by multiple in silico algorithms, and/or has population frequency not consistent with disease.

NM_000169.3(GLA):c.369+163A>G

Genes: GLA (galactosidase alpha; minus strand), RPL36A-HNRNPH2 (RPL36A-HNRNPH2 readthrough; plus strand). Cytogenetic location: Xq22.1.
Variant type: single nucleotide variant.
Coding change: c.369+163A>G on transcript NM_000169.3 (MANE Select); 163 bases into the intron after coding-DNA position 369, A replaced by G.
Molecular consequence: intron variant.
Genome position (GRCh38, 1-based): chrX:101,403,648, T>C on the plus strand (A>G on the coding strand, the complement: GLA is on the minus strand). VCF-style: chrX-101403648-T-C. GRCh37 (hg19) VCF-style: chrX-100658636-T-C.
Other names: c.300+8191T>C (NM_001199973.2); c.178-8288T>C (NM_001199974.2); c.492+163A>G (NM_001406747.1, NM_001406749.1); c.369+163A>G (NM_001406748.1).
Identifiers: ClinVar variation 675985 (VCV000675985.1), dbSNP rs370226383, ClinGen allele CA333095061.